The following is an entry in ClinVar:

ClinVar aggregate classification (germline): Likely benign (1 of 4 stars; one submission).

Allele frequency attached by ClinVar (database versions not stated): 1000 Genomes Project 30x 0.00468; 1000 Genomes Project 0.00519; TOPMed 0.01002; gnomAD 0.01039 and 0.01075.
gnomAD v4.1: 1,595 of 152,196 alleles (1%); highest among the groups gnomAD compares: Non-Finnish European, 1.7%; 12 homozygotes.

Submission:

GeneDx
Classification: Likely benign. Last evaluated: 2018-06-14. Review status: criteria provided, single submitter. Criteria: GeneDx Variant Classification (06012015). Collection method: clinical testing. Allele origin: germline. Affected: yes.
Comment: This variant is considered likely benign or benign based on one or more of the following criteria: it is a conservative change, it occurs at a poorly conserved position in the protein, it is predicted to be benign by multiple in silico algorithms, and/or has population frequency not consistent with disease.

NM_000090.4(COL3A1):c.2284-215A>G

Gene: COL3A1 (collagen type III alpha 1 chain; plus strand). Cytogenetic location: 2q32.2.
Variant type: single nucleotide variant.
Coding change: c.2284-215A>G on transcript NM_000090.4 (MANE Select); 215 bases into the intron before coding-DNA position 2284, A replaced by G.
Molecular consequence: intron variant.
Genome position (GRCh38, 1-based): chr2:189,001,182, A>G. VCF-style: chr2-189001182-A-G. GRCh37 (hg19) VCF-style: chr2-189865908-A-G.
Identifiers: ClinVar variation 675547 (VCV000675547.1), dbSNP rs187565353, ClinGen allele CA62555471.